The following is an entry in ClinVar:

NM_015627.3(LDLRAP1):c.617-8C>T

Gene: LDLRAP1 (low density lipoprotein receptor adaptor protein 1; plus strand). Cytogenetic location: 1p36.11.
Variant type: single nucleotide variant.
Coding change: c.617-8C>T on transcript NM_015627.3 (MANE Select); 8 bases into the intron before coding-DNA position 617, C replaced by T.
Molecular consequence: intron variant.
Genome position (GRCh38, 1-based): chr1:25,563,653, C>T. VCF-style: chr1-25563653-C-T. GRCh37 (hg19) VCF-style: chr1-25890144-C-T.
Identifiers: ClinVar variation 682189 (VCV000682189.5), dbSNP rs746302717, ClinGen allele CA695679.

ClinVar aggregate classification (germline): Likely benign. Review status: criteria provided, multiple submitters, no conflicts (2 of 4 stars). 3 submissions from 3 submitters: Likely benign (2). 1 of the submissions does not count toward it. Last evaluated 2023-11-29.

Conditions:
Hypercholesterolemia, familial, 4 (FHCL4). Also called: HYPERCHOLESTEROLEMIA, AUTOSOMAL RECESSIVE, 1; HYPERCHOLESTEROLEMIA, AUTOSOMAL RECESSIVE, 2. Identifiers: Orphanet 391665, MedGen C1863512, MONDO:0011374, OMIM 603813.
Familial hypercholesterolemia. Also called: Familial hypercholesterolaemia; Familial hypercholesterolemias. Identifiers: MedGen C0020445, MONDO:0005439.

Allele frequency attached by ClinVar (database versions not stated): gnomAD exomes below 0.00001 and 0.00001; ExAC 0.00001.
gnomAD v4.1: 6 of 1,613,398 alleles (0.00037%); highest among the groups gnomAD compares: Middle Eastern, 0.017%; no homozygotes.

Submissions (3):

Labcorp Genetics (formerly Invitae), Labcorp
Classification: Likely benign for Hypercholesterolemia, familial, 4. Last evaluated: 2023-11-29. Review status: criteria provided, single submitter. Criteria: Invitae Variant Classification Sherloc (09022015). Collection method: clinical testing. Allele origin: germline.

GeneDx
Classification: Likely benign. Last evaluated: 2018-04-19. Review status: criteria provided, single submitter. Criteria: GeneDx Variant Classification (06012015). Collection method: clinical testing. Allele origin: germline. Affected: yes.
Comment: This variant is considered likely benign or benign based on one or more of the following criteria: it is a conservative change, it occurs at a poorly conserved position in the protein, it is predicted to be benign by multiple in silico algorithms, and/or has population frequency not consistent with disease.

Natera, Inc.
Classification: Likely benign for Familial hypercholesterolemia. Last evaluated: 2020-02-06. Review status: no assertion criteria provided. Collection method: clinical testing. Allele origin: germline. Not counted in ClinVar's aggregate classification.